The following is an entry in ClinVar:

ClinVar aggregate classification (germline): Uncertain significance (1 of 4 stars; one submission).

Submission:

Labcorp Genetics (formerly Invitae), Labcorp
Classification: Uncertain significance. Last evaluated: 2025-10-02. Review status: criteria provided, single submitter. Criteria: Invitae Variant Classification Sherloc (09022015). Collection method: clinical testing. Allele origin: germline.
Comment: This sequence change falls in intron 4 of the NUP133 gene. It does not directly change the encoded amino acid sequence of the NUP133 protein. This variant is not present in population databases (gnomAD no frequency). This variant has not been reported in the literature in individuals affected with NUP133-related conditions. ClinVar contains an entry for this variant (Variation ID: 3004324). Algorithms developed to predict the effect of sequence changes on RNA splicing suggest that this variant may disrupt the consensus splice site. In summary, the available evidence is currently insufficient to determine the role of this variant in disease. Therefore, it has been classified as a Variant of Uncertain Significance.

NM_018230.3(NUP133):c.514-5T>C

Gene: NUP133 (nucleoporin 133; minus strand). Cytogenetic location: 1q42.13.
Variant type: single nucleotide variant.
Coding change: c.514-5T>C on transcript NM_018230.3 (MANE Select); 5 bases into the intron before coding-DNA position 514, T replaced by C.
Molecular consequence: intron variant.
Genome position (GRCh38, 1-based): chr1:229,499,823, A>G on the plus strand (T>C on the coding strand, the complement: NUP133 is on the minus strand). VCF-style: chr1-229499823-A-G. GRCh37 (hg19) VCF-style: chr1-229635570-A-G.
Identifiers: ClinVar variation 3004324 (VCV003004324.3), dbSNP rs997082460, ClinGen allele CA38821617.